The following is an entry in ClinVar:

NM_006204.4(PDE6C):c.641C>T (p.Ser214Phe)

Gene: PDE6C (phosphodiesterase 6C; plus strand). Cytogenetic location: 10q23.33.
Variant type: single nucleotide variant.
Coding change: c.641C>T on transcript NM_006204.4 (MANE Select); coding-DNA position 641, C replaced by T.
Protein change: p.Ser214Phe; replaces serine 214 with phenylalanine.
Molecular consequence: missense variant.
Genome position (GRCh38, 1-based): chr10:93,620,898, C>T. VCF-style: chr10-93620898-C-T. GRCh37 (hg19) VCF-style: chr10-95380655-C-T.
Other names: short protein forms S214F.
Identifiers: ClinVar variation 2132087 (VCV002132087.4), dbSNP rs2492504567, ClinGen allele CA377627032.

ClinVar aggregate classification (germline): Uncertain significance (1 of 4 stars; one submission).

Allele frequency attached by ClinVar (database versions not stated): gnomAD exomes below 0.00001.
gnomAD v4.1: 2 of 1,613,552 alleles (0.00012%); highest among the groups gnomAD compares: South Asian, 0.0022%; no homozygotes.

Submission:

Labcorp Genetics (formerly Invitae), Labcorp
Classification: Uncertain significance. Last evaluated: 2022-04-30. Review status: criteria provided, single submitter. Criteria: Invitae Variant Classification Sherloc (09022015). Collection method: clinical testing. Allele origin: germline.
Comment: This sequence change replaces serine, which is neutral and polar, with phenylalanine, which is neutral and non-polar, at codon 214 of the PDE6C protein (p.Ser214Phe). This variant is not present in population databases (gnomAD no frequency). This variant has not been reported in the literature in individuals affected with PDE6C-related conditions. Algorithms developed to predict the effect of missense changes on protein structure and function (SIFT, PolyPhen-2, Align-GVGD) all suggest that this variant is likely to be tolerated. In summary, the available evidence is currently insufficient to determine the role of this variant in disease. Therefore, it has been classified as a Variant of Uncertain Significance.